The following is an entry in ClinVar:

NM_002941.4(ROBO1):c.1985A>G (p.Gln662Arg)

Gene: ROBO1 (roundabout guidance receptor 1; minus strand). Cytogenetic location: 3p12.3.
Variant type: single nucleotide variant.
Coding change: c.1985A>G on transcript NM_002941.4 (MANE Select); coding-DNA position 1985, A replaced by G.
Protein change: p.Gln662Arg; replaces glutamine 662 with arginine.
Molecular consequence: missense variant.
Genome position (GRCh38, 1-based): chr3:78,662,096, T>C on the plus strand (A>G on the coding strand, the complement: ROBO1 is on the minus strand). VCF-style: chr3-78662096-T-C. GRCh37 (hg19) VCF-style: chr3-78711246-T-C.
Other names: c.1877A>G, p.Gln626Arg (NM_001145845.2, NM_133631.4); short protein forms Q626R, Q662R.
Identifiers: ClinVar variation 4797565 (VCV004797565.1).

ClinVar aggregate classification (germline): Uncertain significance (1 of 4 stars; one submission).

Submission:

Labcorp Genetics (formerly Invitae), Labcorp
Classification: Uncertain significance. Last evaluated: 2025-08-06. Review status: criteria provided, single submitter. Criteria: Invitae Variant Classification Sherloc (09022015). Collection method: clinical testing. Allele origin: germline.
Comment: This sequence change replaces glutamine, which is neutral and polar, with arginine, which is basic and polar, at codon 662 of the ROBO1 protein (p.Gln662Arg). This variant is not present in population databases (gnomAD no frequency). This variant has not been reported in the literature in individuals affected with ROBO1-related conditions. Invitae Evidence Modeling of protein sequence and biophysical properties (such as structural, functional, and spatial information, amino acid conservation, physicochemical variation, residue mobility, and thermodynamic stability) indicates that this missense variant is not expected to disrupt ROBO1 protein function with a negative predictive value of 95%. In summary, the available evidence is currently insufficient to determine the role of this variant in disease. Therefore, it has been classified as a Variant of Uncertain Significance.